The following is an entry in ClinVar:

NM_005529.7(HSPG2):c.2920G>A (p.Gly974Arg)

Gene: HSPG2 (heparan sulfate proteoglycan 2; minus strand). Cytogenetic location: 1p36.12.
Variant type: single nucleotide variant.
Coding change: c.2920G>A on transcript NM_005529.7 (MANE Select); coding-DNA position 2920, G replaced by A.
Protein change: p.Gly974Arg; replaces glycine 974 with arginine.
Molecular consequence: missense variant.
Genome position (GRCh38, 1-based): chr1:21,876,312, C>T on the plus strand (G>A on the coding strand, the complement: HSPG2 is on the minus strand). VCF-style: chr1-21876312-C-T. GRCh37 (hg19) VCF-style: chr1-22202805-C-T.
Other names: c.2923G>A, p.Gly975Arg (NM_001291860.2); short protein forms G974R, G975R.
Identifiers: ClinVar variation 4881747 (VCV004881747.2).

ClinVar aggregate classification (germline): Uncertain significance (1 of 4 stars; one submission).

gnomAD v4.1: 17 of 1,613,890 alleles (0.0011%); highest among the groups gnomAD compares: East Asian, 0.0067%; no homozygotes.

Submission:

Dasa
Classification: Uncertain significance. Last evaluated: 2026-01-16. Review status: criteria provided, single submitter. Criteria: DASA Assertion Criteria. Collection method: clinical testing. Allele origin: germline.
Comment: NM_005529.7(HSPG2):c.2920G>A (p.Gly974Arg) is a missense variant that results in the substitution of glycine with arginine. This variant is rare in population databases. The currently available literature and clinical evidence are not sufficient to establish a definitive association between this variant and the reported condition. Therefore, this variant is classified as a variant of uncertain significance.